The following is an entry in ClinVar:

NM_006265.3(RAD21):c.578T>A (p.Leu193Ter)

Gene: RAD21 (RAD21 cohesin complex component; minus strand). Cytogenetic location: 8q24.11.
Variant type: single nucleotide variant.
Coding change: c.578T>A on transcript NM_006265.3 (MANE Select); coding-DNA position 578, T replaced by A.
Protein change: p.Leu193Ter; replaces leucine 193 with a stop codon.
Molecular consequence: nonsense.
Genome position (GRCh38, 1-based): chr8:116,857,377, A>T on the plus strand (T>A on the coding strand, the complement: RAD21 is on the minus strand). VCF-style: chr8-116857377-A-T. GRCh37 (hg19) VCF-style: chr8-117869616-A-T.
Other names: short protein forms L193*.
Identifiers: ClinVar variation 280268 (VCV000280268.2), dbSNP rs886041504, ClinGen allele CA10603084.

ClinVar aggregate classification (germline): Pathogenic (1 of 4 stars; one submission).

Submission:

GeneDx
Classification: Pathogenic. Last evaluated: 2016-01-28. Review status: criteria provided, single submitter. Criteria: GeneDx Variant Classification (06012015). Collection method: clinical testing. Allele origin: germline. Affected: yes.
Comment: The L193X pathogenic variant in the RAD21 gene has not been reported previously as a pathogenic variant nor as a benign variant, to our knowledge. This variant is predicted to cause loss of normal protein function either through protein truncation or nonsense-mediated mRNA decay. The L193X variant was not observed in approximately 6500 individuals of European and African Americanancestry in the NHLBI Exome Sequencing Project, indicating it is not a common benign variant in these populations. We interpret L193X as a pathogenic variant.